The following is an entry in ClinVar:

NM_001042492.3(NF1):c.7174G>T (p.Gly2392Ter)

Gene: NF1 (neurofibromin 1; plus strand). Cytogenetic location: 17q11.2.
Variant type: single nucleotide variant.
Coding change: c.7174G>T on transcript NM_001042492.3 (MANE Select); coding-DNA position 7174, G replaced by T.
Protein change: p.Gly2392Ter; replaces glycine 2392 with a stop codon.
Molecular consequence: nonsense.
Genome position (GRCh38, 1-based): chr17:31,343,120, G>T. VCF-style: chr17-31343120-G-T. GRCh37 (hg19) VCF-style: chr17-29670138-G-T.
Other names: c.7111G>T, p.Gly2371Ter (NM_000267.4); short protein forms G2392*, G2371*.
Identifiers: ClinVar variation 953148 (VCV000953148.6), dbSNP rs1357330262, ClinGen allele CA399015757.

ClinVar aggregate classification (germline): Pathogenic (1 of 4 stars; one submission).

Conditions:
Neurofibromatosis, type 1 (NF1). Also called: VON RECKLINGHAUSEN DISEASE; NEUROFIBROMATOSIS, TYPE I, SOMATIC; Peripheral type neurofibromatosis; Neurofibromatosis, type I. Identifiers: Orphanet 636, MedGen C0027831, MONDO:0018975, OMIM 162200. Disease mechanism: loss of function.

Submission:

Labcorp Genetics (formerly Invitae), Labcorp
Classification: Pathogenic for Neurofibromatosis, type 1. Last evaluated: 2021-04-23. Review status: criteria provided, single submitter. Criteria: Invitae Variant Classification Sherloc (09022015). Collection method: clinical testing. Allele origin: germline.
Comment: For these reasons, this variant has been classified as Pathogenic. This variant has been reported in individuals in the Leiden Open-source Variation Database (PMID: 21520333). This variant is not present in population databases (ExAC no frequency). This sequence change creates a premature translational stop signal (p.Gly2371*) in the NF1 gene. It is expected to result in an absent or disrupted protein product. Loss-of-function variants in NF1 are known to be pathogenic (PMID: 10712197, 23913538).

Literature cited by the submitters: PubMed 21520333; PubMed 10712197; PubMed 23913538.